The following is an entry in ClinVar:

NM_206933.4(USH2A):c.11390-3A>C

Gene: USH2A (usherin; minus strand). Cytogenetic location: 1q41.
Variant type: single nucleotide variant.
Coding change: c.11390-3A>C on transcript NM_206933.4 (MANE Select); 3 bases into the intron before coding-DNA position 11390, A replaced by C.
Molecular consequence: intron variant.
Genome position (GRCh38, 1-based): chr1:215,743,338, T>G on the plus strand (A>C on the coding strand, the complement: USH2A is on the minus strand). VCF-style: chr1-215743338-T-G. GRCh37 (hg19) VCF-style: chr1-215916680-T-G.
Identifiers: ClinVar variation 1370539 (VCV001370539.5), dbSNP rs1379405755, ClinGen allele CA529002166.

ClinVar aggregate classification (germline): Uncertain significance (1 of 4 stars; one submission).

Allele frequency attached by ClinVar (database versions not stated): gnomAD exomes 0.00001 and 0.00003.
gnomAD v4.1: 44 of 1,576,508 alleles (0.0028%); highest among the groups gnomAD compares: Non-Finnish European, 0.0036%; no homozygotes.

Submission:

Labcorp Genetics (formerly Invitae), Labcorp
Classification: Uncertain significance. Last evaluated: 2021-09-07. Review status: criteria provided, single submitter. Criteria: Invitae Variant Classification Sherloc (09022015). Collection method: clinical testing. Allele origin: germline.
Comment: This sequence change falls in intron 58 of the USH2A gene. It does not directly change the encoded amino acid sequence of the USH2A protein. It affects a nucleotide within the consensus splice site of the intron. This variant is not present in population databases (ExAC no frequency). This variant has not been reported in the literature in individuals affected with USH2A-related conditions. Variants that disrupt the consensus splice site are a relatively common cause of aberrant splicing (PMID: 17576681, 9536098). Algorithms developed to predict the effect of sequence changes on RNA splicing suggest that this variant may create or strengthen a splice site. In summary, the available evidence is currently insufficient to determine the role of this variant in disease. Therefore, it has been classified as a Variant of Uncertain Significance.

Literature cited by the submitters: PubMed 17576681; PubMed 9536098.